The following is an entry in ClinVar:

ClinVar aggregate classification (germline): Uncertain significance (1 of 4 stars; one submission).

Conditions:
PLXNA3-related disorder. Also called: PLXNA3-related condition.

Submission:

PreventionGenetics, part of Exact Sciences
Classification: Uncertain significance for PLXNA3-related condition. Last evaluated: 2026-02-06. Review status: criteria provided, single submitter. Criteria: ACMG Guidelines, 2015. Collection method: clinical testing. Allele origin: germline.
Comment: The PLXNA3 c.115C>T variant is predicted to result in the amino acid substitution p.His39Tyr. To our knowledge, this variant has not been reported in the literature. This variant is reported in 0.0022% of alleles in individuals of European (Non-Finnish) descent in gnomAD. At this time, the clinical significance of this variant is uncertain due to the absence of conclusive functional and genetic evidence.

NM_017514.5(PLXNA3):c.115C>T (p.His39Tyr)

Gene: PLXNA3 (plexin A3; plus strand). Cytogenetic location: Xq28.
Variant type: single nucleotide variant.
Coding change: c.115C>T on transcript NM_017514.5 (MANE Select); coding-DNA position 115, C replaced by T.
Protein change: p.His39Tyr; replaces histidine 39 with tyrosine.
Molecular consequence: missense variant.
Genome position (GRCh38, 1-based): chrX:154,460,298, C>T. VCF-style: chrX-154460298-C-T. GRCh37 (hg19) VCF-style: chrX-153688638-C-T.
Other names: short protein forms H39Y.
Identifiers: ClinVar variation 4983200 (VCV004983200.1).